The following is an entry in ClinVar:

NM_022725.4(FANCF):c.179G>T (p.Arg60Leu)

Gene: FANCF (FA complementation group F; minus strand). Cytogenetic location: 11p14.3.
Variant type: single nucleotide variant.
Coding change: c.179G>T on transcript NM_022725.4 (MANE Select); coding-DNA position 179, G replaced by T.
Protein change: p.Arg60Leu; replaces arginine 60 with leucine.
Molecular consequence: missense variant.
Genome position (GRCh38, 1-based): chr11:22,625,632, C>A on the plus strand (G>T on the coding strand, the complement: FANCF is on the minus strand). VCF-style: chr11-22625632-C-A. GRCh37 (hg19) VCF-style: chr11-22647178-C-A.
Other names: short protein forms R60L.
Identifiers: ClinVar variation 4778333 (VCV004778333.1).

ClinVar aggregate classification (germline): Uncertain significance (1 of 4 stars; one submission).

Conditions:
Fanconi anemia (FA). Also called: Fanconi's anemia. Identifiers: Orphanet 84, MedGen C0015625, MeSH D005199, MONDO:0019391.

Submission:

Labcorp Genetics (formerly Invitae), Labcorp
Classification: Uncertain significance for Fanconi anemia. Last evaluated: 2025-12-02. Review status: criteria provided, single submitter. Criteria: Invitae Variant Classification Sherloc (09022015). Collection method: clinical testing. Allele origin: germline.
Comment: This sequence change replaces arginine, which is basic and polar, with leucine, which is neutral and non-polar, at codon 60 of the FANCF protein (p.Arg60Leu). This variant is not present in population databases (gnomAD no frequency). This variant has not been reported in the literature in individuals affected with FANCF-related conditions. Invitae Evidence Modeling of protein sequence and biophysical properties (such as structural, functional, and spatial information, amino acid conservation, physicochemical variation, residue mobility, and thermodynamic stability) indicates that this missense variant is expected to disrupt FANCF protein function with a positive predictive value of 80%. In summary, the available evidence is currently insufficient to determine the role of this variant in disease. Therefore, it has been classified as a Variant of Uncertain Significance.